The following is an entry in ClinVar:

NM_018690.4(APOBR):c.1732G>A (p.Glu578Lys)

Gene: APOBR (apolipoprotein B receptor; plus strand). Cytogenetic location: 16p12.1.
Variant type: single nucleotide variant.
Coding change: c.1732G>A on transcript NM_018690.4 (MANE Select); coding-DNA position 1732, G replaced by A.
Protein change: p.Glu578Lys; replaces glutamic acid 578 with lysine.
Molecular consequence: missense variant.
Genome position (GRCh38, 1-based): chr16:28,496,773, G>A. VCF-style: chr16-28496773-G-A. GRCh37 (hg19) VCF-style: chr16-28508094-G-A.
Other names: c.1705G>A, p.Glu569Lys (NM_001424171.1, NM_182804.1); short protein forms E569K, E578K.
Identifiers: ClinVar variation 3025208 (VCV003025208.22), dbSNP rs201285042, ClinGen allele CA7981521.

ClinVar aggregate classification (germline): Likely benign (1 of 4 stars; one submission).

Allele frequency attached by ClinVar (database versions not stated): 1000 Genomes Project 0.00040; 1000 Genomes Project 30x 0.00047; gnomAD 0.00081; gnomAD exomes 0.00081; TOPMed 0.00113; ESP Exome Variant Server 0.00123; ExAC 0.00221.
gnomAD v4.1: 1,348 of 1,576,332 alleles (0.086%); highest among the groups gnomAD compares: Middle Eastern, 0.2%; 14 homozygotes.

Submission:

CeGaT Center for Human Genetics Tuebingen
Classification: Likely benign. Last evaluated: 2024-01-01. Review status: criteria provided, single submitter. Criteria: CeGaT Center For Human Genetics Tuebingen Variant Classification Criteria Version 2. Collection method: clinical testing. Allele origin: germline. Affected: yes. Observed: 1 variant allele.
Comment: APOBR: BP4